The following is an entry in ClinVar:

NM_016464.5(TMEM138):c.80T>C (p.Phe27Ser)

Gene: TMEM138 (transmembrane protein 138; plus strand). Cytogenetic location: 11q12.2.
Variant type: single nucleotide variant.
Coding change: c.80T>C on transcript NM_016464.5 (MANE Select); coding-DNA position 80, T replaced by C.
Protein change: p.Phe27Ser; replaces phenylalanine 27 with serine.
Molecular consequence: missense variant. On other transcripts: non-coding transcript variant (1), intron variant (1).
Genome position (GRCh38, 1-based): chr11:61,364,470, T>C. VCF-style: chr11-61364470-T-C. GRCh37 (hg19) VCF-style: chr11-61131942-T-C.
Other names: c.80T>C, p.Phe27Ser (NM_001410997.1, NM_001410998.1, NM_001410999.1); c.-47+155T>C (NM_001330281.2); short protein forms F27S.
Identifiers: ClinVar variation 2106749 (VCV002106749.4), dbSNP rs2539860865, ClinGen allele CA380677681.

ClinVar aggregate classification (germline): Uncertain significance (1 of 4 stars; one submission).

Conditions:
Joubert syndrome 16 (JBTS16). Identifiers: Orphanet 2318, MedGen C3280906, MONDO:0013764, OMIM 614465.

Submission:

Labcorp Genetics (formerly Invitae), Labcorp
Classification: Uncertain significance for Joubert syndrome 16. Last evaluated: 2022-03-04. Review status: criteria provided, single submitter. Criteria: Invitae Variant Classification Sherloc (09022015). Collection method: clinical testing. Allele origin: germline.
Comment: This sequence change replaces phenylalanine, which is neutral and non-polar, with serine, which is neutral and polar, at codon 27 of the TMEM138 protein (p.Phe27Ser). This variant is not present in population databases (gnomAD no frequency). This variant has not been reported in the literature in individuals affected with TMEM138-related conditions. Algorithms developed to predict the effect of missense changes on protein structure and function are either unavailable or do not agree on the potential impact of this missense change (SIFT: "Deleterious"; PolyPhen-2: "Probably Damaging"; Align-GVGD: "Class C0"). In summary, the available evidence is currently insufficient to determine the role of this variant in disease. Therefore, it has been classified as a Variant of Uncertain Significance.